The following is an entry in ClinVar:

NM_004817.4(TJP2):c.2027G>C (p.Arg676Thr)

Gene: TJP2 (tight junction protein 2; plus strand). Cytogenetic location: 9q21.11.
Variant type: single nucleotide variant.
Coding change: c.2027G>C on transcript NM_004817.4 (MANE Select); coding-DNA position 2027, G replaced by C.
Protein change: p.Arg676Thr; replaces arginine 676 with threonine.
Molecular consequence: missense variant.
Genome position (GRCh38, 1-based): chr9:69,236,984, G>C. VCF-style: chr9-69236984-G-C. GRCh37 (hg19) VCF-style: chr9-71851900-G-C.
Other names: c.1958G>C, p.Arg653Thr (NM_001170414.2, NM_001369871.1); c.2039G>C, p.Arg680Thr (NM_001170415.1, NM_001369874.1, NM_001369875.1); c.2120G>C, p.Arg707Thr (NM_001170416.2); c.1952G>C, p.Arg651Thr (NM_001369870.1); c.2027G>C, p.Arg676Thr (NM_001369872.1, NM_001369873.1, NM_201629.3); short protein forms R651T, R680T, R653T, R707T, R676T.
Identifiers: ClinVar variation 2569269 (VCV002569269.28), dbSNP rs142254605, ClinGen allele CA5073563.

ClinVar aggregate classification (germline): Conflicting classifications of pathogenicity. Review status: criteria provided, conflicting classifications (1 of 4 stars). 4 submissions from 4 submitters: Uncertain significance (2); Likely benign (1). 1 of the submissions does not count toward it. Last evaluated 2025-08-15.

Conditions:
TJP2-related disorder. Also called: TJP2-related condition.
Inborn genetic diseases. Identifiers: MedGen C0950123, MeSH D030342.

Allele frequency attached by ClinVar (database versions not stated): gnomAD 0.00003; gnomAD exomes 0.00005; TOPMed 0.00005; ExAC 0.00007; ESP Exome Variant Server 0.00023.
gnomAD v4.1: 87 of 1,614,092 alleles (0.0054%); highest among the groups gnomAD compares: Middle Eastern, 0.049%; no homozygotes.

Submissions (4):

Ambry Genetics
Classification: Uncertain significance for Inborn genetic diseases. Last evaluated: 2025-08-15. Review status: criteria provided, single submitter. Criteria: Ambry Variant Classification Scheme 2023. Collection method: clinical testing. Allele origin: germline.

GeneDx
Classification: Uncertain significance. Last evaluated: 2023-07-03. Review status: criteria provided, single submitter. Criteria: GeneDx Variant Classification Process June 2021. Collection method: clinical testing. Allele origin: germline. Affected: yes.
Comment: In silico analysis supports that this missense variant has a deleterious effect on protein structure/function; Has not been previously published as pathogenic or benign to our knowledge

CeGaT Center for Human Genetics Tuebingen
Classification: Likely benign. Last evaluated: 2022-08-01. Review status: criteria provided, single submitter. Criteria: CeGaT Center For Human Genetics Tuebingen Variant Classification Criteria Version 2. Collection method: clinical testing. Allele origin: germline. Affected: yes. Observed: 1 variant allele.
Comment: TJP2: BP4

PreventionGenetics, part of Exact Sciences
Classification: Uncertain significance for TJP2-related condition. Last evaluated: 2024-09-19. Review status: no assertion criteria provided. Collection method: clinical testing. Allele origin: germline. Not counted in ClinVar's aggregate classification.
Comment: The TJP2 c.2027G>C variant is predicted to result in the amino acid substitution p.Arg676Thr. To our knowledge, this variant has not been reported in the literature. This variant is reported in 0.0098% of alleles in individuals of South Asian descent in gnomAD. At this time, the clinical significance of this variant is uncertain due to the absence of conclusive functional and genetic evidence.